The following is an entry in ClinVar:

ClinVar aggregate classification (germline): Uncertain significance (0 of 4 stars; one submission).

Conditions:
JARID2-related disorder. Also called: JARID2-related condition.

gnomAD v4.1: 2 of 1,613,938 alleles (0.00012%); highest among the groups gnomAD compares: Non-Finnish European, 0.00017%; no homozygotes.

Submission:

PreventionGenetics, part of Exact Sciences
Classification: Uncertain significance for JARID2-related condition. Last evaluated: 2024-03-18. Review status: no assertion criteria provided. Collection method: clinical testing. Allele origin: germline.
Comment: The JARID2 c.2237A>G variant is predicted to result in the amino acid substitution p.His746Arg. To our knowledge, this variant has not been reported in the literature or in a large population database, indicating this variant is rare. At this time, the clinical significance of this variant is uncertain due to the absence of conclusive functional and genetic evidence.

NM_004973.4(JARID2):c.2237A>G (p.His746Arg)

Gene: JARID2 (jumonji and AT-rich interaction domain containing 2; plus strand). Cytogenetic location: 6p22.3.
Variant type: single nucleotide variant.
Coding change: c.2237A>G on transcript NM_004973.4 (MANE Select); coding-DNA position 2237, A replaced by G.
Protein change: p.His746Arg; replaces histidine 746 with arginine.
Molecular consequence: missense variant.
Genome position (GRCh38, 1-based): chr6:15,501,198, A>G. VCF-style: chr6-15501198-A-G. GRCh37 (hg19) VCF-style: chr6-15501429-A-G.
Other names: c.1721A>G, p.His574Arg (NM_001267040.1); short protein forms H574R, H746R.
Identifiers: ClinVar variation 3349035 (VCV003349035.1).